The following is an entry in ClinVar:

NM_000051.4(ATM):c.2022C>G (p.His674Gln)

Gene: ATM (ATM serine/threonine kinase; plus strand). Cytogenetic location: 11q22.3.
Variant type: single nucleotide variant.
Coding change: c.2022C>G on transcript NM_000051.4 (MANE Select); coding-DNA position 2022, C replaced by G.
Protein change: p.His674Gln; replaces histidine 674 with glutamine.
Molecular consequence: missense variant.
Genome position (GRCh38, 1-based): chr11:108,253,937, C>G. VCF-style: chr11-108253937-C-G. GRCh37 (hg19) VCF-style: chr11-108124664-C-G.
Other names: c.2022C>G, p.His674Gln (NM_001351834.2); short protein forms H674Q.
Identifiers: ClinVar variation 1486360 (VCV001486360.8), dbSNP rs2080306836, ClinGen allele CA382537351.

ClinVar aggregate classification (germline): Uncertain significance. Review status: criteria provided, multiple submitters, no conflicts (2 of 4 stars). 3 submissions from 3 submitters: Uncertain significance (3). Last evaluated 2023-12-05.

Conditions:
Hereditary cancer-predisposing syndrome. Also called: Neoplastic Syndromes, Hereditary; Tumor predisposition; Hereditary neoplastic syndrome; Hereditary Cancer Syndrome. Identifiers: Orphanet 140162, MedGen C0027672, MeSH D009386, MONDO:0015356.
Ataxia-telangiectasia syndrome (AT). Also called: LOUIS-BAR SYNDROME; Ataxia-telangiectasia; Cerebello-oculocutaneous telangiectasia; Immunodeficiency with ataxia telangiectasia; ATAXIA-TELANGIECTASIA, COMPLEMENTATION GROUP A; ATAXIA-TELANGIECTASIA, FRESNO VARIANT. Identifiers: Orphanet 100, MedGen C0004135, MONDO:0008840, OMIM 208900.

Submissions (3):

Color Diagnostics, LLC DBA Color Health
Classification: Uncertain significance for Hereditary cancer-predisposing syndrome. Last evaluated: 2023-12-05. Review status: criteria provided, single submitter. Criteria: ACMG Guidelines, 2015. Collection method: clinical testing. Allele origin: germline.
Comment: This missense variant replaces histidine with glutamine at codon 674 of the ATM protein. Computational prediction suggests that this variant may not impact protein structure and function. To our knowledge, functional studies have not been reported for this variant. This variant has not been reported in individuals affected with ATM-related disorders in the literature. This variant has not been identified in the general population by the Genome Aggregation Database (gnomAD). The available evidence is insufficient to determine the role of this variant in disease conclusively. Therefore, this variant is classified as a Variant of Uncertain Significance.

Labcorp Genetics (formerly Invitae), Labcorp
Classification: Uncertain significance for Ataxia-telangiectasia syndrome. Last evaluated: 2021-08-30. Review status: criteria provided, single submitter. Criteria: Invitae Variant Classification Sherloc (09022015). Collection method: clinical testing. Allele origin: germline.
Comment: This sequence change replaces histidine with glutamine at codon 674 of the ATM protein (p.His674Gln). The histidine residue is weakly conserved and there is a small physicochemical difference between histidine and glutamine. This variant is not present in population databases (ExAC no frequency). This variant has not been reported in the literature in individuals affected with ATM-related conditions. Advanced modeling of protein sequence and biophysical properties (such as structural, functional, and spatial information, amino acid conservation, physicochemical variation, residue mobility, and thermodynamic stability) performed at Invitae indicates that this missense variant is not expected to disrupt ATM protein function. In summary, the available evidence is currently insufficient to determine the role of this variant in disease. Therefore, it has been classified as a Variant of Uncertain Significance.

Ambry Genetics
Classification: Uncertain significance for Hereditary cancer-predisposing syndrome. Last evaluated: 2021-03-24. Review status: criteria provided, single submitter. Criteria: Ambry Variant Classification Scheme 2023. Collection method: clinical testing. Allele origin: germline.
Comment: The p.H674Q variant (also known as c.2022C>G), located in coding exon 12 of the ATM gene, results from a C to G substitution at nucleotide position 2022. The histidine at codon 674 is replaced by glutamine, an amino acid with highly similar properties. This amino acid position is poorly conserved in available vertebrate species. In addition, this alteration is predicted to be tolerated by in silico analysis. Since supporting evidence is limited at this time, the clinical significance of this alteration remains unclear.